The following is an entry in ClinVar:

NM_000090.4(COL3A1):c.1924-184A>C

Gene: COL3A1 (collagen type III alpha 1 chain; plus strand). Cytogenetic location: 2q32.2.
Variant type: single nucleotide variant.
Coding change: c.1924-184A>C on transcript NM_000090.4 (MANE Select); 184 bases into the intron before coding-DNA position 1924, A replaced by C.
Molecular consequence: intron variant.
Genome position (GRCh38, 1-based): chr2:188,998,082, A>C. VCF-style: chr2-188998082-A-C. GRCh37 (hg19) VCF-style: chr2-189862808-A-C.
Identifiers: ClinVar variation 675248 (VCV000675248.2), dbSNP rs11902058, ClinGen allele CA11237026.

ClinVar aggregate classification (germline): Benign. Review status: criteria provided, multiple submitters, no conflicts (2 of 4 stars). 2 submissions from 2 submitters: Benign (2). Last evaluated 2018-06-14.

Allele frequency attached by ClinVar (database versions not stated): gnomAD 0.12381 and 0.12943; TOPMed 0.13802; 1000 Genomes Project 0.15835; 1000 Genomes Project 30x 0.16240.
gnomAD v4.1: 18,710 of 152,192 alleles (12%); highest among the groups gnomAD compares: African/African-American, 36%; 2,819 homozygotes.

Submissions (2):

GeneDx
Classification: Benign. Last evaluated: 2018-06-14. Review status: criteria provided, single submitter. Criteria: GeneDx Variant Classification (06012015). Collection method: clinical testing. Allele origin: germline. Affected: yes.
Comment: This variant is considered likely benign or benign based on one or more of the following criteria: it is a conservative change, it occurs at a poorly conserved position in the protein, it is predicted to be benign by multiple in silico algorithms, and/or has population frequency not consistent with disease.

Breakthrough Genomics
Classification: Benign. Review status: criteria provided, single submitter. Criteria: ACMG Guidelines, 2015. Collection method: not provided. Allele origin: germline. Inheritance: Autosomal recessive inheritance. Affected: yes.